The following is an entry in ClinVar:

NM_145290.4(ADGRA3):c.1207G>A (p.Gly403Ser)

Gene: ADGRA3 (adhesion G protein-coupled receptor A3; minus strand). Cytogenetic location: 4p15.2.
Variant type: single nucleotide variant.
Coding change: c.1207G>A on transcript NM_145290.4 (MANE Select); coding-DNA position 1207, G replaced by A.
Protein change: p.Gly403Ser; replaces glycine 403 with serine.
Molecular consequence: missense variant.
Genome position (GRCh38, 1-based): chr4:22,436,520, C>T on the plus strand (G>A on the coding strand, the complement: ADGRA3 is on the minus strand). VCF-style: chr4-22436520-C-T. GRCh37 (hg19) VCF-style: chr4-22438143-C-T.
Other names: short protein forms G403S.
Identifiers: ClinVar variation 4771852 (VCV004771852.1).
Genomic context (GRCh38, chr4:22,436,520, plus strand): 5'-CTCTAGTGACATCATTTGCATACTGACAGCGAGAATAATCATCATCTGCCCAAAAGCCAC[C>T]TCTATCACATCTGCGCCAAGCTTTTCTCTCATCCTGTGGGTTTCCGGGATATATCCCACT-3'
Protein context (NP_660333.2, residues 393-413): ERKAWRRCDR[Gly403Ser]GFWADDDYSR

ClinVar aggregate classification (germline): Uncertain significance (1 of 4 stars; one submission).

Submission:

Labcorp Genetics (formerly Invitae), Labcorp
Classification: Uncertain significance. Last evaluated: 2025-10-21. Review status: criteria provided, single submitter. Criteria: Invitae Variant Classification Sherloc (09022015). Collection method: clinical testing. Allele origin: germline.
Comment: This sequence change replaces glycine, which is neutral and non-polar, with serine, which is neutral and polar, at codon 403 of the ADGRA3 protein (p.Gly403Ser). This variant is not present in population databases (gnomAD no frequency). This variant has not been reported in the literature in individuals affected with ADGRA3-related conditions. An algorithm developed to predict the effect of missense changes on protein structure and function (PolyPhen-2) suggests that this variant is likely to be tolerated. In summary, the available evidence is currently insufficient to determine the role of this variant in disease. Therefore, it has been classified as a Variant of Uncertain Significance.